The following is an entry in ClinVar:

ClinVar aggregate classification (germline): Conflicting classifications of pathogenicity. Review status: criteria provided, conflicting classifications (1 of 4 stars). 5 submissions from 5 submitters: Uncertain significance (3); Likely benign (2). Last evaluated 2025-06-19.

Conditions:
Duane-radial ray syndrome (DRRS). Also called: Okihiro Syndrome; Duane-Radial Ray Syndrome (DRRS) / Okihiro Syndrome; DR SYNDROME; DUANE ANOMALY WITH RADIAL RAY ABNORMALITIES AND DEAFNESS; Duane-Radial Ray Syndrome/Okihiro Syndrome; ACRORENOOCULAR SYNDROME. Identifiers: Orphanet 93293, Orphanet 959, MedGen C1623209, MONDO:0011812, OMIM 607323. Disease mechanism: gain of function.
Oculootoradial syndrome (IVIC). Also called: IVIC syndrome; RADIAL RAY DEFECTS, HEARING IMPAIRMENT, EXTERNAL OPHTHALMOPLEGIA, AND THROMBOCYTOPENIA. Identifiers: Orphanet 2307, MedGen C1327918, MONDO:0007836, OMIM 147750.

Allele frequency attached by ClinVar (database versions not stated): gnomAD exomes 0.00011 and 0.00043; ExAC 0.00012; gnomAD 0.00021 and 0.00023; TOPMed 0.00022; ESP Exome Variant Server 0.00023.
gnomAD v4.1: 666 of 1,614,028 alleles (0.041%); highest among the groups gnomAD compares: Non-Finnish European, 0.052%; no homozygotes.

Submissions (5):

Women's Health and Genetics/Laboratory Corporation of America, LabCorp
Classification: Uncertain significance. Last evaluated: 2025-06-19. Review status: criteria provided, single submitter. Criteria: LabCorp Variant Classification Summary - May 2015. Collection method: clinical testing. Allele origin: germline.
Comment: Variant summary: SALL4 c.2260G>A (p.Val754Met) results in a conservative amino acid change in the encoded protein sequence. Algorithms developed to predict the effect of missense changes on protein structure and function are either unavailable or do not agree on the potential impact of this missense change. The variant allele was found at a frequency of 0.00011 in 251206 control chromosomes. This frequency is not significantly higher than estimated for a pathogenic variant in SALL4 causing SALL4-Related Disorders, allowing no conclusion about variant significance. c.2260G>A has been observed in the heterozygous state in at least 1 individual(s) affected with SALL4-Related Disorders (Brassington_2003) whose unaffected parent also carried the variant. These report(s) do not provide unequivocal conclusions about association of the variant with SALL4-Related Disorders. To our knowledge, no experimental evidence demonstrating an impact on protein function has been reported. The following publications have been ascertained in the context of this evaluation (PMID: 19619907, 15286162, 16086360, 37972850, 12789647, 29205322, 26962299). ClinVar contains an entry for this variant (Variation ID: 1437608). Based on the evidence outlined above, the variant was classified as uncertain significance.

Blueprint Genetics
Classification: Likely benign. Last evaluated: 2024-08-09. Review status: criteria provided, single submitter. Criteria: ACMG Guidelines, 2015. Collection method: clinical testing. Allele origin: germline.

Labcorp Genetics (formerly Invitae), Labcorp
Classification: Uncertain significance for Duane-radial ray syndrome. Last evaluated: 2024-01-31. Review status: criteria provided, single submitter. Criteria: Invitae Variant Classification Sherloc (09022015). Collection method: clinical testing. Allele origin: germline.
Comment: This sequence change replaces valine, which is neutral and non-polar, with methionine, which is neutral and non-polar, at codon 754 of the SALL4 protein (p.Val754Met). This variant is present in population databases (rs199607966, gnomAD 0.02%). This missense change has been observed in individual(s) with clinical features SALL4-related conditions (PMID: 12789647). This variant is also known as V752M. ClinVar contains an entry for this variant (Variation ID: 1437608). An algorithm developed to predict the effect of missense changes on protein structure and function (PolyPhen-2) suggests that this variant is likely to be disruptive. In summary, the available evidence is currently insufficient to determine the role of this variant in disease. Therefore, it has been classified as a Variant of Uncertain Significance.

Revvity Omics, Revvity
Classification: Uncertain significance. Last evaluated: 2021-08-04. Review status: criteria provided, single submitter. Criteria: ACMG Guidelines, 2015. Collection method: clinical testing. Allele origin: germline.

Department of Pathology and Laboratory Medicine, Sinai Health System
Classification: Likely benign for Oculootoradial syndrome; Duane-radial ray syndrome. Last evaluated: 2021-08-03. Review status: criteria provided, single submitter. Criteria: ACMG Guidelines, 2015. Collection method: research. Allele origin: germline.

Literature cited by the submitters: PubMed 29205322 (cited by Women's Health and Genetics/Laboratory Corporation of America, LabCorp); PubMed 19619907 (cited by Women's Health and Genetics/Laboratory Corporation of America, LabCorp); PubMed 15286162 (cited by Women's Health and Genetics/Laboratory Corporation of America, LabCorp); PubMed 16086360 (cited by Women's Health and Genetics/Laboratory Corporation of America, LabCorp); PubMed 37972850 (cited by Women's Health and Genetics/Laboratory Corporation of America, LabCorp); PubMed 26962299 (cited by Women's Health and Genetics/Laboratory Corporation of America, LabCorp); PubMed 12789647 (cited by Women's Health and Genetics/Laboratory Corporation of America, LabCorp and Labcorp Genetics (formerly Invitae), Labcorp).

NM_020436.5(SALL4):c.2260G>A (p.Val754Met)

Gene: SALL4 (spalt like transcription factor 4; minus strand). Cytogenetic location: 20q13.2.
Variant type: single nucleotide variant.
Coding change: c.2260G>A on transcript NM_020436.5 (MANE Select); coding-DNA position 2260, G replaced by A.
Protein change: p.Val754Met; replaces valine 754 with methionine.
Molecular consequence: missense variant. On other transcripts: intron variant (1).
Genome position (GRCh38, 1-based): chr20:51,790,223, C>T on the plus strand (G>A on the coding strand, the complement: SALL4 is on the minus strand). VCF-style: chr20-51790223-C-T. GRCh37 (hg19) VCF-style: chr20-50406762-C-T.
Other names: c.1151-1082G>A (NM_001318031.2); short protein forms V754M.
Identifiers: ClinVar variation 1437608 (VCV001437608.15), dbSNP rs199607966, ClinGen allele CA9912133.